The following is an entry in ClinVar:

ClinVar aggregate classification (germline): Likely benign. Review status: criteria provided, multiple submitters, no conflicts (2 of 4 stars). 3 submissions from 3 submitters: Likely benign (2). 1 of the submissions does not count toward it. Last evaluated 2019-12-31.

Conditions:
VAMP7-related disorder. Also called: VAMP7-related condition.

Allele frequency attached by ClinVar (database versions not stated): 1000 Genomes Project 30x 0.00062; 1000 Genomes Project 0.00079; gnomAD exomes 0.00125 and 0.00223; ExAC 0.00132; TOPMed 0.00145; gnomAD 0.00149 and 0.00156; ESP Exome Variant Server 0.00200.
gnomAD v4.1: 3,442 of 1,613,620 alleles (0.21%); highest among the groups gnomAD compares: Non-Finnish European, 0.27%; 8 homozygotes.

Submissions (3):

Labcorp Genetics (formerly Invitae), Labcorp
Classification: Likely benign. Last evaluated: 2019-12-31. Review status: criteria provided, single submitter. Criteria: Invitae Variant Classification Sherloc (09022015). Collection method: clinical testing. Allele origin: germline.

Breakthrough Genomics
Classification: Likely benign. Review status: criteria provided, single submitter. Criteria: ACMG Guidelines, 2015. Collection method: not provided. Allele origin: germline. Inheritance: Unknown mechanism. Affected: yes.

PreventionGenetics, part of Exact Sciences
Classification: Likely benign for VAMP7-related condition. Last evaluated: 2022-08-11. Review status: no assertion criteria provided. Collection method: clinical testing. Allele origin: germline. Not counted in ClinVar's aggregate classification.
Comment: This variant is classified as likely benign based on ACMG/AMP sequence variant interpretation guidelines (Richards et al. 2015 PMID: 25741868, with internal and published modifications).

NM_005638.6(VAMP7):c.573T>C (p.Ile191=)

Gene: VAMP7 (vesicle associated membrane protein 7; plus strand). Cytogenetic location: Xq28.
Variant type: single nucleotide variant.
Coding change: c.573T>C on transcript NM_005638.6 (MANE Select); coding-DNA position 573, T replaced by C.
Protein change: p.Ile191=; no amino-acid change (isoleucine 191 retained).
Molecular consequence: synonymous variant. On other transcripts: missense variant (1), non-coding transcript variant (2).
Genome position (GRCh38, 1-based): chrX:155,939,772, T>C. VCF-style: chrX-155939772-T-C. GRCh37 (hg19) VCF-style: chrX-155169436-T-C.
Other names: c.450T>C, p.Ile150= (NM_001145149.3); c.505T>C, p.Tyr169His (NM_001185183.2); c.505T>C (NM_001185183.1); short protein forms Y169H.
Identifiers: ClinVar variation 708966 (VCV000708966.7), dbSNP rs141017429, ClinGen allele CA10569989.